The following is an entry in ClinVar:

ClinVar aggregate classification (germline): Uncertain significance. Review status: criteria provided, multiple submitters, no conflicts (2 of 4 stars). 5 submissions from 5 submitters: Uncertain significance (5). Last evaluated 2025-09-26.

Conditions:
Primary ciliary dyskinesia. Also called: Ciliary dyskinesia. Identifiers: Orphanet 244, MedGen C0008780, MONDO:0016575, HP:0012265.
Spermatogenic failure 46. Identifiers: MedGen C5436799, MONDO:0033673, OMIM 619095.

Allele frequency attached by ClinVar (database versions not stated): 1000 Genomes Project 30x 0.00016; ExAC 0.00016; gnomAD exomes 0.00016 and 0.00018; 1000 Genomes Project 0.00020; ESP Exome Variant Server 0.00008; gnomAD 0.00011 and 0.00012; TOPMed 0.00012.
gnomAD v4.1: 285 of 1,611,608 alleles (0.018%); highest among the groups gnomAD compares: Non-Finnish European, 0.023%; no homozygotes.

Submissions (5):

Mayo Clinic Laboratories, Mayo Clinic
Classification: Uncertain significance. Last evaluated: 2025-09-26. Review status: criteria provided, single submitter. Criteria: ACMG Guidelines, 2015. Collection method: clinical testing. Allele origin: germline. Observed: 1 variant allele.

Labcorp Genetics (formerly Invitae), Labcorp
Classification: Uncertain significance for Primary ciliary dyskinesia. Last evaluated: 2025-08-15. Review status: criteria provided, single submitter. Criteria: Invitae Variant Classification Sherloc (09022015). Collection method: clinical testing. Allele origin: germline.
Comment: This sequence change replaces isoleucine, which is neutral and non-polar, with leucine, which is neutral and non-polar, at codon 4473 of the DNAH8 protein (p.Ile4473Leu). This variant is present in population databases (rs200416428, gnomAD 0.03%). This variant has not been reported in the literature in individuals affected with DNAH8-related conditions. ClinVar contains an entry for this variant (Variation ID: 583335). Invitae Evidence Modeling of protein sequence and biophysical properties (such as structural, functional, and spatial information, amino acid conservation, physicochemical variation, residue mobility, and thermodynamic stability) indicates that this missense variant is expected to disrupt DNAH8 protein function with a positive predictive value of 80%. In summary, the available evidence is currently insufficient to determine the role of this variant in disease. Therefore, it has been classified as a Variant of Uncertain Significance.

Ambry Genetics
Classification: Uncertain significance. Last evaluated: 2024-06-10. Review status: criteria provided, single submitter. Criteria: Ambry Variant Classification Scheme 2023. Collection method: clinical testing. Allele origin: germline.

GeneDx
Classification: Uncertain significance. Last evaluated: 2023-02-02. Review status: criteria provided, single submitter. Criteria: GeneDx Variant Classification Process June 2021. Collection method: clinical testing. Allele origin: germline. Affected: yes.
Comment: In silico analysis supports that this missense variant does not alter protein structure/function; Has not been previously published as pathogenic or benign to our knowledge

Fulgent Genetics
Classification: Uncertain significance for Spermatogenic failure 46. Last evaluated: 2021-11-17. Review status: criteria provided, single submitter. Criteria: ACMG Guidelines, 2015. Collection method: clinical testing. Allele origin: unknown.

NM_001206927.2(DNAH8):c.13417A>C (p.Ile4473Leu)

Gene: DNAH8 (dynein axonemal heavy chain 8; plus strand). Cytogenetic location: 6p21.2.
Variant type: single nucleotide variant.
Coding change: c.13417A>C on transcript NM_001206927.2 (MANE Select); coding-DNA position 13417, A replaced by C.
Protein change: p.Ile4473Leu; replaces isoleucine 4473 with leucine.
Molecular consequence: missense variant.
Genome position (GRCh38, 1-based): chr6:39,012,260, A>C. VCF-style: chr6-39012260-A-C. GRCh37 (hg19) VCF-style: chr6-38980036-A-C.
Other names: p.Ile4473Leu; c.12766A>C, p.Ile4256Leu (NM_001371.4); short protein forms I4473L, I4256L.
Identifiers: ClinVar variation 583335 (VCV000583335.8), dbSNP rs200416428, ClinGen allele CA3791670.